The following is an entry in ClinVar:

NM_006308.3(HSPB3):c.155A>G (p.Gln52Arg)

Gene: HSPB3 (heat shock protein family B (small) member 3; plus strand). Cytogenetic location: 5q11.2.
Variant type: single nucleotide variant.
Coding change: c.155A>G on transcript NM_006308.3 (MANE Select); coding-DNA position 155, A replaced by G.
Protein change: p.Gln52Arg; replaces glutamine 52 with arginine.
Molecular consequence: missense variant.
Genome position (GRCh38, 1-based): chr5:54,455,944, A>G. VCF-style: chr5-54455944-A-G. GRCh37 (hg19) VCF-style: chr5-53751774-A-G.
Other names: short protein forms Q52R.
Identifiers: ClinVar variation 3642136 (VCV003642136.2).
Genomic context (GRCh38, chr5:54,455,944, plus strand): 5'-ATGCTTTATATGCACTGCCTGGGCCAACCATCGTGGACCTGAGGAAAACCAGGGCAGCGC[A>G]GTCTCCTCCAGTGGACTCAGCGGCAGAGACGCCACCCCGAGAAGGCAAATCCCACTTTCA-3'
Protein context (NP_006299.1, residues 42-62): IVDLRKTRAA[Gln52Arg]SPPVDSAAET

ClinVar aggregate classification (germline): Uncertain significance (1 of 4 stars; one submission).

Conditions:
Neuronopathy, distal hereditary motor, type 2C. Also called: NEUROPATHY, DISTAL HEREDITARY MOTOR, AUTOSOMAL DOMINANT 4; NEURONOPATHY, DISTAL HEREDITARY MOTOR, HARDING TYPE IIC; NEUROPATHY, DISTAL HEREDITARY MOTOR, HARDING TYPE IIC; HMN IIC. Identifiers: Orphanet 139525, MedGen C3150619, MONDO:0013243, OMIM 613376.

gnomAD v4.1: 8 of 1,614,184 alleles (0.0005%); highest among the groups gnomAD compares: Admixed American, 0.0033%; no homozygotes.

Submission:

Labcorp Genetics (formerly Invitae), Labcorp
Classification: Uncertain significance for Neuronopathy, distal hereditary motor, type 2C. Last evaluated: 2025-01-29. Review status: criteria provided, single submitter. Criteria: Invitae Variant Classification Sherloc (09022015). Collection method: clinical testing. Allele origin: germline.
Comment: This sequence change replaces glutamine, which is neutral and polar, with arginine, which is basic and polar, at codon 52 of the HSPB3 protein (p.Gln52Arg). This variant is present in population databases (rs751004706, gnomAD 0.006%). This variant has not been reported in the literature in individuals affected with HSPB3-related conditions. An algorithm developed to predict the effect of missense changes on protein structure and function (PolyPhen-2) suggests that this variant is likely to be tolerated. In summary, the available evidence is currently insufficient to determine the role of this variant in disease. Therefore, it has been classified as a Variant of Uncertain Significance.